The following is an entry in ClinVar:

NM_001135651.3(EIF2AK2):c.4G>A (p.Ala2Thr)

Gene: EIF2AK2 (eukaryotic translation initiation factor 2 alpha kinase 2; minus strand). Cytogenetic location: 2p22.2.
Variant type: single nucleotide variant.
Coding change: c.4G>A on transcript NM_001135651.3 (MANE Select); coding-DNA position 4, G replaced by A.
Protein change: p.Ala2Thr; replaces alanine 2 with threonine.
Molecular consequence: missense variant.
Genome position (GRCh38, 1-based): chr2:37,147,803, C>T on the plus strand (G>A on the coding strand, the complement: EIF2AK2 is on the minus strand). VCF-style: chr2-37147803-C-T. GRCh37 (hg19) VCF-style: chr2-37374946-C-T.
Other names: c.4G>A, p.Ala2Thr (NM_001135652.3, NM_002759.4); short protein forms A2T.
Identifiers: ClinVar variation 3603143 (VCV003603143.1).
Genomic context (GRCh38, chr2:37,147,803, plus strand): 5'-CCTGCTTCTGACGGTATGTATTAAGTTCCTCCATGAAGAAACCTGCTGAAAGATCACCAG[C>T]CATTTCTTCTTCCCGTATCCTACAATGGAAGAGACATTTGAATGAGTGATGCTCACAGAA-3'
Protein context (NP_001129123.1, residues 1-12): M[Ala2Thr]GDLSAGFFME

ClinVar aggregate classification (germline): Uncertain significance (1 of 4 stars; one submission).

Submission:

GeneDx
Classification: Uncertain significance. Last evaluated: 2024-08-07. Review status: criteria provided, single submitter. Criteria: GeneDx Variant Classification Process June 2021. Collection method: clinical testing. Allele origin: germline. Affected: yes.
Comment: Not observed at significant frequency in large population cohorts (gnomAD); In silico analysis supports that this missense variant has a deleterious effect on protein structure/function; Has not been previously published as pathogenic or benign to our knowledge